The following is an entry in ClinVar:

ClinVar aggregate classification (germline): Uncertain significance (1 of 4 stars; one submission).

Allele frequency attached by ClinVar (database versions not stated): gnomAD 0.00001; ExAC 0.00002; gnomAD exomes 0.00002; TOPMed 0.00002.
gnomAD v4.1: 10 of 1,613,932 alleles (0.00062%); highest among the groups gnomAD compares: African/African-American, 0.0053%; no homozygotes.

Submission:

Labcorp Genetics (formerly Invitae), Labcorp
Classification: Uncertain significance. Last evaluated: 2024-10-30. Review status: criteria provided, single submitter. Criteria: Invitae Variant Classification Sherloc (09022015). Collection method: clinical testing. Allele origin: germline.
Comment: This sequence change replaces arginine, which is basic and polar, with histidine, which is basic and polar, at codon 569 of the NFE2L2 protein (p.Arg569His). This variant is present in population databases (rs765321668, gnomAD 0.007%). This variant has not been reported in the literature in individuals affected with NFE2L2-related conditions. ClinVar contains an entry for this variant (Variation ID: 1512976). Invitae Evidence Modeling of protein sequence and biophysical properties (such as structural, functional, and spatial information, amino acid conservation, physicochemical variation, residue mobility, and thermodynamic stability) indicates that this missense variant is not expected to disrupt NFE2L2 protein function with a negative predictive value of 80%. In summary, the available evidence is currently insufficient to determine the role of this variant in disease. Therefore, it has been classified as a Variant of Uncertain Significance.

NM_006164.5(NFE2L2):c.1706G>A (p.Arg569His)

Gene: NFE2L2 (NFE2 like bZIP transcription factor 2; minus strand). Cytogenetic location: 2q31.2.
Variant type: single nucleotide variant.
Coding change: c.1706G>A on transcript NM_006164.5 (MANE Select); coding-DNA position 1706, G replaced by A.
Protein change: p.Arg569His; replaces arginine 569 with histidine.
Molecular consequence: missense variant.
Genome position (GRCh38, 1-based): chr2:177,230,897, C>T on the plus strand (G>A on the coding strand, the complement: NFE2L2 is on the minus strand). VCF-style: chr2-177230897-C-T. GRCh37 (hg19) VCF-style: chr2-178095625-C-T.
Other names: c.1658G>A, p.Arg553His (NM_001145412.3, NM_001313900.1, NM_001313901.1); c.1637G>A, p.Arg546His (NM_001145413.3); c.1616G>A, p.Arg539His (NM_001313902.2); c.1487G>A, p.Arg496His (NM_001313903.2); c.1406G>A, p.Arg469His (NM_001313904.1); short protein forms R469H, R569H, R546H, R496H, R553H, R539H.
Identifiers: ClinVar variation 1512976 (VCV001512976.6), dbSNP rs765321668, ClinGen allele CA1979659.
Genomic context (GRCh38, chr2:177,230,897, plus strand): 5'-CCATCTCTTGTTTGCTGCAGGGAGTATTCACTAGGAGAATAAGGTTTTCCATCTTCATCA[C>T]GTAGCATGCTGAAAACTTCGAGATATAAGGTGCTGAGTTGTTTTTTCAGTAGGTGAAGGC-3'
Protein context (NP_006155.2, residues 559-579): TLYLEVFSML[Arg569His]DEDGKPYSPS